The following is an entry in ClinVar:

ClinVar aggregate classification (germline): Benign (0 of 4 stars; one submission).

Conditions:
KDM3A-related disorder. Also called: KDM3A-related condition.

Allele frequency attached by ClinVar (database versions not stated): 1000 Genomes Project 0.07288; 1000 Genomes Project 30x 0.07573; ExAC 0.11395; gnomAD 0.13271; TOPMed 0.13526; gnomAD exomes 0.14192; ESP Exome Variant Server 0.15032.

Submission:

PreventionGenetics, part of Exact Sciences
Classification: Benign for KDM3A-related condition. Last evaluated: 2019-10-21. Review status: no assertion criteria provided. Collection method: clinical testing. Allele origin: germline.
Comment: This variant is classified as benign based on ACMG/AMP sequence variant interpretation guidelines (Richards et al. 2015 PMID: 25741868, with internal and published modifications).

NM_018433.6(KDM3A):c.1339T>C (p.Ser447Pro)

Gene: KDM3A (lysine demethylase 3A; plus strand). Cytogenetic location: 2p11.2.
Variant type: single nucleotide variant.
Coding change: c.1339T>C on transcript NM_018433.6 (MANE Select); coding-DNA position 1339, T replaced by C.
Protein change: p.Ser447Pro; replaces serine 447 with proline.
Molecular consequence: missense variant.
Genome position (GRCh38, 1-based): chr2:86,466,703, T>C. VCF-style: chr2-86466703-T-C. GRCh37 (hg19) VCF-style: chr2-86693826-T-C.
Other names: c.1339T>C, p.Ser447Pro (NM_001146688.2); short protein forms S447P.
Identifiers: ClinVar variation 3059301 (VCV003059301.2), dbSNP rs34605051, ClinGen allele CA1749352.